The following is an entry in ClinVar:

NM_000780.4(CYP7A1):c.909-2A>G

Gene: CYP7A1 (cytochrome P450 family 7 subfamily A member 1; minus strand). Cytogenetic location: 8q12.1.
Variant type: single nucleotide variant.
Coding change: c.909-2A>G on transcript NM_000780.4 (MANE Select); the canonical splice acceptor site of the intron before coding-DNA position 909, A replaced by G.
Molecular consequence: splice acceptor variant.
Genome position (GRCh38, 1-based): chr8:58,494,638, T>C on the plus strand (A>G on the coding strand, the complement: CYP7A1 is on the minus strand). VCF-style: chr8-58494638-T-C. GRCh37 (hg19) VCF-style: chr8-59407197-T-C.
Identifiers: ClinVar variation 3614231 (VCV003614231.2).

ClinVar aggregate classification (germline): Uncertain significance (1 of 4 stars; one submission).

gnomAD v4.1: 43 of 1,613,634 alleles (0.0027%); highest among the groups gnomAD compares: Non-Finnish European, 0.0035%; no homozygotes.

Submission:

Labcorp Genetics (formerly Invitae), Labcorp
Classification: Uncertain significance. Last evaluated: 2024-09-23. Review status: criteria provided, single submitter. Criteria: Invitae Variant Classification Sherloc (09022015). Collection method: clinical testing. Allele origin: germline.
Comment: This sequence change affects an acceptor splice site in intron 3 of the CYP7A1 gene. It is expected to disrupt RNA splicing. Variants that disrupt the donor or acceptor splice site typically lead to a loss of protein function (PMID: 16199547), however the current clinical and genetic evidence is not sufficient to establish whether loss-of-function variants in CYP7A1 cause disease. This variant is not present in population databases (gnomAD no frequency). This variant has not been reported in the literature in individuals affected with CYP7A1-related conditions. Algorithms developed to predict the effect of sequence changes on RNA splicing suggest that this variant may disrupt the consensus splice site. In summary, the available evidence is currently insufficient to determine the role of this variant in disease. Therefore, it has been classified as a Variant of Uncertain Significance.

Literature cited by the submitters: PubMed 16199547.